The following is an entry in ClinVar:

ClinVar aggregate classification (germline): Uncertain significance (1 of 4 stars; one submission).

Submission:

Labcorp Genetics (formerly Invitae), Labcorp
Classification: Uncertain significance. Last evaluated: 2019-03-01. Review status: criteria provided, single submitter. Criteria: Invitae Variant Classification Sherloc (09022015). Collection method: clinical testing. Allele origin: germline.
Comment: In summary, the available evidence is currently insufficient to determine the role of this variant in disease. Therefore, it has been classified as a Variant of Uncertain Significance. Algorithms developed to predict the effect of missense changes on protein structure and function are either unavailable or do not agree on the potential impact of this missense change (SIFT: "Deleterious"; PolyPhen-2: "Probably Damaging"; Align-GVGD: "Class C0"). This variant has not been reported in the literature in individuals with MSH3-related conditions. This variant is not present in population databases (ExAC no frequency). This sequence change replaces leucine with serine at codon 1070 of the MSH3 protein (p.Leu1070Ser). The leucine residue is moderately conserved and there is a large physicochemical difference between leucine and serine.

NM_002439.5(MSH3):c.3209T>C (p.Leu1070Ser)

Gene: MSH3 (mutS homolog 3; plus strand). Cytogenetic location: 5q14.1.
Variant type: single nucleotide variant.
Coding change: c.3209T>C on transcript NM_002439.5 (MANE Select); coding-DNA position 3209, T replaced by C.
Protein change: p.Leu1070Ser; replaces leucine 1070 with serine.
Molecular consequence: missense variant.
Genome position (GRCh38, 1-based): chr5:80,873,194, T>C. VCF-style: chr5-80873194-T-C. GRCh37 (hg19) VCF-style: chr5-80169013-T-C.
Other names: short protein forms L1070S.
Identifiers: ClinVar variation 838878 (VCV000838878.9), dbSNP rs1746251780, ClinGen allele CA360346944.